The following is an entry in ClinVar:

ClinVar aggregate classification (germline): Uncertain significance (1 of 4 stars; one submission).

Conditions:
Hereditary cancer-predisposing syndrome. Also called: Neoplastic Syndromes, Hereditary; Tumor predisposition; Hereditary Cancer Syndrome; Hereditary neoplastic syndrome. Identifiers: Orphanet 140162, MedGen C0027672, MeSH D009386, MONDO:0015356.

Submission:

Ambry Genetics
Classification: Uncertain significance for Hereditary cancer-predisposing syndrome. Last evaluated: 2025-02-06. Review status: criteria provided, single submitter. Criteria: Ambry Variant Classification Scheme 2023. Collection method: clinical testing. Allele origin: germline.
Comment: The p.E2096A variant (also known as c.6287A>C), located in coding exon 42 of the ATM gene, results from an A to C substitution at nucleotide position 6287. The glutamic acid at codon 2096 is replaced by alanine, an amino acid with dissimilar properties. This amino acid position is conserved. In addition, this alteration is predicted to be tolerated by in silico analysis. Based on the available evidence, the clinical significance of this variant remains unclear.

NM_000051.4(ATM):c.6287A>C (p.Glu2096Ala)

Genes: ATM (ATM serine/threonine kinase; plus strand), C11orf65 (chromosome 11 open reading frame 65; minus strand). Cytogenetic location: 11q22.3.
Variant type: single nucleotide variant.
Coding change: c.6287A>C on transcript NM_000051.4 (MANE Select); coding-DNA position 6287, A replaced by C.
Protein change: p.Glu2096Ala; replaces glutamic acid 2096 with alanine.
Molecular consequence: missense variant. On other transcripts: intron variant (2).
Genome position (GRCh38, 1-based): chr11:108,317,461, A>C. VCF-style: chr11-108317461-A-C. GRCh37 (hg19) VCF-style: chr11-108188188-A-C.
Other names: c.6287A>C, p.Glu2096Ala (NM_001351834.2); c.641-8390T>G (NM_001330368.2); c.*39-8390T>G (NM_001351110.2); short protein forms E2096A.
Identifiers: ClinVar variation 3802497 (VCV003802497.1).